The following is an entry in ClinVar:

ClinVar aggregate classification (germline): Uncertain significance (1 of 4 stars; one submission).

Submission:

Labcorp Genetics (formerly Invitae), Labcorp
Classification: Uncertain significance. Last evaluated: 2024-06-21. Review status: criteria provided, single submitter. Criteria: Invitae Variant Classification Sherloc (09022015). Collection method: clinical testing. Allele origin: germline.
Comment: This sequence change affects the initiator methionine of the NTHL1 mRNA. The next in-frame methionine is located at codon 9. This variant is present in population databases (no rsID available, gnomAD 0.003%). This variant has not been reported in the literature in individuals affected with NTHL1-related conditions. Experimental studies and prediction algorithms are not available or were not evaluated, and the functional significance of this variant is currently unknown. In summary, the available evidence is currently insufficient to determine the role of this variant in disease. Therefore, it has been classified as a Variant of Uncertain Significance.

NC_000016.10:g.2047845C>T

Genes: NTHL1 (nth like DNA glycosylase 1; minus strand), LOC130058209 (ATAC-STARR-seq lymphoblastoid active region 10253; plus strand). Cytogenetic location: 16p13.3.
Variant type: single nucleotide variant.
Genome position: GRCh38 VCF-style: chr16-2047845-C-T. GRCh37 (hg19) VCF-style: chr16-2097846-C-T.
Identifiers: ClinVar variation 3657222 (VCV003657222.2).